The following is an entry in ClinVar:

NM_001999.4(FBN2):c.7655G>C (p.Gly2552Ala)

Gene: FBN2 (fibrillin 2; minus strand). Cytogenetic location: 5q23.3.
Variant type: single nucleotide variant.
Coding change: c.7655G>C on transcript NM_001999.4 (MANE Select); coding-DNA position 7655, G replaced by C.
Protein change: p.Gly2552Ala; replaces glycine 2552 with alanine.
Molecular consequence: missense variant.
Genome position (GRCh38, 1-based): chr5:128,274,623, C>G on the plus strand (G>C on the coding strand, the complement: FBN2 is on the minus strand). VCF-style: chr5-128274623-C-G. GRCh37 (hg19) VCF-style: chr5-127610315-C-G.
Other names: short protein forms G2552A.
Identifiers: ClinVar variation 3648530 (VCV003648530.2).

ClinVar aggregate classification (germline): Uncertain significance (1 of 4 stars; one submission).

Conditions:
Congenital contractural arachnodactyly (CCA). Also called: BEALS SYNDROME; Arthrogryposis, distal, type 9; Beals-Hecht syndrome. Identifiers: Orphanet 115, MedGen C0220668, MONDO:0007363, OMIM 121050.

Submission:

Labcorp Genetics (formerly Invitae), Labcorp
Classification: Uncertain significance for Congenital contractural arachnodactyly. Last evaluated: 2024-05-06. Review status: criteria provided, single submitter. Criteria: Invitae Variant Classification Sherloc (09022015). Collection method: clinical testing. Allele origin: germline.
Comment: This sequence change replaces glycine, which is neutral and non-polar, with alanine, which is neutral and non-polar, at codon 2552 of the FBN2 protein (p.Gly2552Ala). This variant is not present in population databases (gnomAD no frequency). This variant has not been reported in the literature in individuals affected with FBN2-related conditions. Advanced modeling of protein sequence and biophysical properties (such as structural, functional, and spatial information, amino acid conservation, physicochemical variation, residue mobility, and thermodynamic stability) has been performed at Invitae for this missense variant, however the output from this modeling did not meet the statistical confidence thresholds required to predict the impact of this variant on FBN2 protein function. In summary, the available evidence is currently insufficient to determine the role of this variant in disease. Therefore, it has been classified as a Variant of Uncertain Significance.